The following is an entry in ClinVar:

NM_005733.3(KIF20A):c.2083A>C (p.Lys695Gln)

Gene: KIF20A (kinesin family member 20A; plus strand). Cytogenetic location: 5q31.2.
Variant type: single nucleotide variant.
Coding change: c.2083A>C on transcript NM_005733.3 (MANE Select); coding-DNA position 2083, A replaced by C.
Protein change: p.Lys695Gln; replaces lysine 695 with glutamine.
Molecular consequence: missense variant.
Genome position (GRCh38, 1-based): chr5:138,185,668, A>C. VCF-style: chr5-138185668-A-C. GRCh37 (hg19) VCF-style: chr5-137521357-A-C.
Other names: short protein forms K695Q.
Identifiers: ClinVar variation 3682615 (VCV003682615.2).

ClinVar aggregate classification (germline): Uncertain significance (1 of 4 stars; one submission).

gnomAD v4.1: 1 of 1,614,194 alleles (0.000062%); highest among the groups gnomAD compares: Non-Finnish European, 0.000085%; no homozygotes.

Submission:

Labcorp Genetics (formerly Invitae), Labcorp
Classification: Uncertain significance. Last evaluated: 2024-06-03. Review status: criteria provided, single submitter. Criteria: Invitae Variant Classification Sherloc (09022015). Collection method: clinical testing. Allele origin: germline.
Comment: This sequence change replaces lysine, which is basic and polar, with glutamine, which is neutral and polar, at codon 695 of the KIF20A protein (p.Lys695Gln). This variant is not present in population databases (gnomAD no frequency). This variant has not been reported in the literature in individuals affected with KIF20A-related conditions. Algorithms developed to predict the effect of missense changes on protein structure and function output the following: SIFT: "Not Available"; PolyPhen-2: "Benign"; Align-GVGD: "Not Available". The glutamine amino acid residue is found in multiple mammalian species, which suggests that this missense change does not adversely affect protein function. In summary, the available evidence is currently insufficient to determine the role of this variant in disease. Therefore, it has been classified as a Variant of Uncertain Significance.